The following is an entry in ClinVar:

NM_001003841.3(SLC6A19):c.401C>T (p.Ser134Phe)

Gene: SLC6A19 (solute carrier family 6 member 19; plus strand). Cytogenetic location: 5p15.33.
Variant type: single nucleotide variant.
Coding change: c.401C>T on transcript NM_001003841.3 (MANE Select); coding-DNA position 401, C replaced by T.
Protein change: p.Ser134Phe; replaces serine 134 with phenylalanine.
Molecular consequence: missense variant.
Genome position (GRCh38, 1-based): chr5:1,210,501, C>T. VCF-style: chr5-1210501-C-T. GRCh37 (hg19) VCF-style: chr5-1210616-C-T.
Other names: short protein forms S134F.
Identifiers: ClinVar variation 1479189 (VCV001479189.8), dbSNP rs2126499818, ClinGen allele CA359064973.
Genomic context (GRCh38, chr5:1,210,501, plus strand): 5'-CAGGCCTGGCCTCCATGCTCACGTCCTTCATGGTGGGACTGTATTACAACACCATCATCT[C>T]CTGGATCATGTGGTACTTATTCAACTCCTTCCAGGAGCCTCTGCCCTGGAGCGACTGCCC-3'
Protein context (NP_001003841.1, residues 124-144): MVGLYYNTII[Ser134Phe]WIMWYLFNSF

ClinVar aggregate classification (germline): Uncertain significance (1 of 4 stars; one submission).

Submission:

Labcorp Genetics (formerly Invitae), Labcorp
Classification: Uncertain significance. Last evaluated: 2021-02-26. Review status: criteria provided, single submitter. Criteria: Invitae Variant Classification Sherloc (09022015). Collection method: clinical testing. Allele origin: germline.
Comment: This sequence change replaces serine with phenylalanine at codon 134 of the SLC6A19 protein (p.Ser134Phe). The serine residue is weakly conserved and there is a large physicochemical difference between serine and phenylalanine. This variant is not present in population databases (ExAC no frequency). This variant has not been reported in the literature in individuals with SLC6A19-related conditions. Algorithms developed to predict the effect of missense changes on protein structure and function are either unavailable or do not agree on the potential impact of this missense change (SIFT: "Deleterious"; PolyPhen-2: "Benign"; Align-GVGD: "Class C0"). In summary, the available evidence is currently insufficient to determine the role of this variant in disease. Therefore, it has been classified as a Variant of Uncertain Significance.